The following is an entry in ClinVar:

ClinVar aggregate classification (germline): Uncertain significance (1 of 4 stars; one submission).

Conditions:
Glycogen storage disease, type IV (GSD4). Also called: AMYLOPECTINOSIS; ANDERSEN DISEASE; BRANCHER DEFICIENCY; CIRRHOSIS, FAMILIAL, WITH DEPOSITION OF ABNORMAL GLYCOGEN; GBE1 DEFICIENCY; GLYCOGEN BRANCHING ENZYME DEFICIENCY. Identifiers: Orphanet 367, MedGen C0017923, MONDO:0009292, OMIM 232500.
Glycogen storage disease IV, classic hepatic. Also called: GSD IV, CLASSIC HEPATIC. Identifiers: MedGen C1856301.

gnomAD v4.1: 3 of 1,608,998 alleles (0.00019%); highest among the groups gnomAD compares: Non-Finnish European, 0.00025%; no homozygotes.

Submission:

Labcorp Genetics (formerly Invitae), Labcorp
Classification: Uncertain significance for Glycogen storage disease, type IV; Glycogen storage disease IV, classic hepatic. Last evaluated: 2025-05-06. Review status: criteria provided, single submitter. Criteria: Invitae Variant Classification Sherloc (09022015). Collection method: clinical testing. Allele origin: germline.
Comment: This sequence change replaces aspartic acid, which is acidic and polar, with glycine, which is neutral and non-polar, at codon 388 of the GBE1 protein (p.Asp388Gly). This variant is not present in population databases (gnomAD no frequency). This variant has not been reported in the literature in individuals affected with GBE1-related conditions. Invitae Evidence Modeling of protein sequence and biophysical properties (such as structural, functional, and spatial information, amino acid conservation, physicochemical variation, residue mobility, and thermodynamic stability) has been performed for this missense variant. However, the output from this modeling did not meet the statistical confidence thresholds required to predict the impact of this variant on GBE1 protein function. In summary, the available evidence is currently insufficient to determine the role of this variant in disease. Therefore, it has been classified as a Variant of Uncertain Significance.

NM_000158.4(GBE1):c.1163A>G (p.Asp388Gly)

Gene: GBE1 (1,4-alpha-glucan branching enzyme 1; minus strand). Cytogenetic location: 3p12.2.
Variant type: single nucleotide variant.
Coding change: c.1163A>G on transcript NM_000158.4 (MANE Select); coding-DNA position 1163, A replaced by G.
Protein change: p.Asp388Gly; replaces aspartic acid 388 with glycine.
Molecular consequence: missense variant.
Genome position (GRCh38, 1-based): chr3:81,591,110, T>C on the plus strand (A>G on the coding strand, the complement: GBE1 is on the minus strand). VCF-style: chr3-81591110-T-C. GRCh37 (hg19) VCF-style: chr3-81640261-T-C.
Other names: short protein forms D388G.
Identifiers: ClinVar variation 4789516 (VCV004789516.1).
Genomic context (GRCh38, chr3:81,591,110, plus strand): 5'-ATAGAATCGGGACACAGCGTGTGAACCAAATGATTTGCCAACATGAGGTAAGTCAAGGCA[T>C]CTTCATCTACTTGTAGTCCGAAATATTCACTGTAATCACCTGAGAAACCTTGACCTTAGA-3'
Protein context (NP_000149.4, residues 378-398): SEYFGLQVDE[Asp388Gly]ALTYLMLANH